The following is an entry in ClinVar:

NM_001256545.2(MEGF10):c.1544C>T (p.Thr515Met)

Gene: MEGF10 (multiple EGF like domains 10; plus strand). Cytogenetic location: 5q23.2.
Variant type: single nucleotide variant.
Coding change: c.1544C>T on transcript NM_001256545.2 (MANE Select); coding-DNA position 1544, C replaced by T.
Protein change: p.Thr515Met; replaces threonine 515 with methionine.
Molecular consequence: missense variant.
Genome position (GRCh38, 1-based): chr5:127,420,161, C>T. VCF-style: chr5-127420161-C-T. GRCh37 (hg19) VCF-style: chr5-126755853-C-T.
Other names: c.1544C>T, p.Thr515Met (NM_001308119.2, NM_001308121.2, NM_032446.3); short protein forms T515M.
Identifiers: ClinVar variation 666123 (VCV000666123.11), dbSNP rs777758032, ClinGen allele CA3391603.

ClinVar aggregate classification (germline): Uncertain significance. Review status: criteria provided, multiple submitters, no conflicts (2 of 4 stars). 2 submissions from 2 submitters: Uncertain significance (2). Last evaluated 2025-10-02.

Conditions:
Inborn genetic diseases. Identifiers: MedGen C0950123, MeSH D030342.
MEGF10-related myopathy (CMYO10A). Also called: Congenital myopathy 10A, severe variant. Identifiers: Orphanet 439212, MedGen C3280679, MONDO:0013731, OMIM 614399.

Allele frequency attached by ClinVar (database versions not stated): TOPMed below 0.00001; gnomAD exomes 0.00001 and 0.00002; ExAC 0.00002; gnomAD 0.00002.
gnomAD v4.1: 24 of 1,614,090 alleles (0.0015%); highest among the groups gnomAD compares: South Asian, 0.0033%; no homozygotes.

Submissions (2):

Labcorp Genetics (formerly Invitae), Labcorp
Classification: Uncertain significance for MEGF10-related myopathy. Last evaluated: 2025-10-02. Review status: criteria provided, single submitter. Criteria: Invitae Variant Classification Sherloc (09022015). Collection method: clinical testing. Allele origin: germline.
Comment: This sequence change replaces threonine, which is neutral and polar, with methionine, which is neutral and non-polar, at codon 515 of the MEGF10 protein (p.Thr515Met). This variant is present in population databases (rs777758032, gnomAD 0.007%). This variant has not been reported in the literature in individuals affected with MEGF10-related conditions. ClinVar contains an entry for this variant (Variation ID: 666123). Invitae Evidence Modeling of protein sequence and biophysical properties (such as structural, functional, and spatial information, amino acid conservation, physicochemical variation, residue mobility, and thermodynamic stability) indicates that this missense variant is not expected to disrupt MEGF10 protein function with a negative predictive value of 80%. In summary, the available evidence is currently insufficient to determine the role of this variant in disease. Therefore, it has been classified as a Variant of Uncertain Significance.

Ambry Genetics
Classification: Uncertain significance for Inborn genetic diseases. Last evaluated: 2023-08-08. Review status: criteria provided, single submitter. Criteria: Ambry Variant Classification Scheme 2023. Collection method: clinical testing. Allele origin: germline.